The following is an entry in ClinVar:

NM_001267550.2(TTN):c.65158C>A (p.Pro21720Thr)

Genes: TTN (titin; minus strand), TTN-AS1 (TTN antisense RNA 1; plus strand). Cytogenetic location: 2q31.2.
Variant type: single nucleotide variant.
Coding change: c.65158C>A on transcript NM_001267550.2 (MANE Select); coding-DNA position 65158, C replaced by A.
Protein change: p.Pro21720Thr; replaces proline 21720 with threonine.
Molecular consequence: missense variant.
Genome position (GRCh38, 1-based): chr2:178,584,393, G>T on the plus strand (C>A on the coding strand, the complement: TTN is on the minus strand). VCF-style: chr2-178584393-G-T. GRCh37 (hg19) VCF-style: chr2-179449120-G-T.
Other names: c.57454C>A, p.Pro19152Thr (NM_133378.4); c.60235C>A, p.Pro20079Thr (NM_001256850.1); c.37963C>A, p.Pro12655Thr (NM_003319.4); c.38338C>A, p.Pro12780Thr (NM_133432.3); c.38539C>A, p.Pro12847Thr (NM_133437.4); short protein forms P19152T, P21720T, P12655T, P12780T, P12847T, P20079T.
Identifiers: ClinVar variation 229487 (VCV000229487.5), dbSNP rs776953525, ClinGen allele CA1991770.
Genomic context (GRCh38, chr2:178,584,393, plus strand): 5'-CTTTGTTTAGGGCATAGATTCTGAATGAATACTCAAGACCTTCTACAAGGCCAGCACAAG[G>T]ATATTCAGTTGACCGGACAAGAGTATCATTGGCTTTCACCCACAGCAAACTGTTTCTTTC-3'
Protein context (NP_001254479.2, residues 21710-21730): NDTLVRSTEY[Pro21720Thr]CAGLVEGLEY

ClinVar aggregate classification (germline): Uncertain significance (1 of 4 stars; one submission).

Allele frequency attached by ClinVar (database versions not stated): gnomAD exomes 0.00001 and 0.00002; ExAC 0.00002; gnomAD 0.00002; TOPMed 0.00002.
gnomAD v4.1: 9 of 1,613,230 alleles (0.00056%); highest among the groups gnomAD compares: African/African-American, 0.0013%; no homozygotes.

Submission:

Laboratory for Molecular Medicine, Mass General Brigham Personalized Medicine
Classification: Uncertain significance. Last evaluated: 2015-08-12. Review status: criteria provided, single submitter. Criteria: LMM Criteria. Collection method: clinical testing. Allele origin: germline. Observed: 1 variant allele.
Comment: The p.Pro19152Thr variant in TTN has not been previously reported in individuals with cardiomyopathy, but has been identified in 2/66502 European chromosomes by the Exome Aggregation Consortium (ExAC). Prolin e (Pro) at position 19152 is poorly conserved in evolution and 12 fish species c arry a threonine (Thr), supporting that this change may be tolerated. In summary , the clinical significance of the p.Pro19152Thr variant is uncertain.